The following is an entry in ClinVar:

NM_004329.3(BMPR1A):c.1412G>A (p.Arg471His)

Gene: BMPR1A (bone morphogenetic protein receptor type 1A; plus strand). Cytogenetic location: 10q23.2.
Variant type: single nucleotide variant.
Coding change: c.1412G>A on transcript NM_004329.3 (MANE Select); coding-DNA position 1412, G replaced by A.
Protein change: p.Arg471His; replaces arginine 471 with histidine.
Molecular consequence: missense variant.
Genome position (GRCh38, 1-based): chr10:86,923,445, G>A. VCF-style: chr10-86923445-G-A. GRCh37 (hg19) VCF-style: chr10-88683202-G-A.
Other names: short protein forms R471H.
Identifiers: ClinVar variation 489687 (VCV000489687.25), dbSNP rs779371501, ClinGen allele CA5585714.

ClinVar aggregate classification (germline): Conflicting classifications of pathogenicity. Review status: criteria provided, conflicting classifications (1 of 4 stars). 7 submissions from 7 submitters: Uncertain significance (6); Benign (1). Last evaluated 2025-09-16.

Conditions:
Polyposis syndrome, hereditary mixed, 2. Identifiers: Orphanet 157794, MedGen C1864730, MONDO:0012405, OMIM 610069.
Juvenile polyposis syndrome (JPS). Identifiers: Orphanet 2929, MedGen C0345893, MONDO:0017380, OMIM 174900.
Hereditary cancer-predisposing syndrome. Also called: Tumor predisposition; Neoplastic Syndromes, Hereditary; Hereditary Cancer Syndrome; Hereditary neoplastic syndrome. Identifiers: Orphanet 140162, MedGen C0027672, MeSH D009386, MONDO:0015356.

Allele frequency attached by ClinVar (database versions not stated): TOPMed below 0.00001; ExAC 0.00001; gnomAD exomes 0.00001.
gnomAD v4.1: 10 of 1,614,182 alleles (0.00062%); highest among the groups gnomAD compares: African/African-American, 0.0013%; no homozygotes.

Submissions (7):

Labcorp Genetics (formerly Invitae), Labcorp
Classification: Uncertain significance for Juvenile polyposis syndrome. Last evaluated: 2025-09-16. Review status: criteria provided, single submitter. Criteria: Invitae Variant Classification Sherloc (09022015). Collection method: clinical testing. Allele origin: germline.
Comment: This sequence change replaces arginine, which is basic and polar, with histidine, which is basic and polar, at codon 471 of the BMPR1A protein (p.Arg471His). This variant is present in population databases (rs779371501, gnomAD 0.003%). This variant has not been reported in the literature in individuals affected with BMPR1A-related conditions. ClinVar contains an entry for this variant (Variation ID: 489687). Invitae Evidence Modeling incorporating data from in vitro experimental studies (internal data) indicates that this missense variant is not expected to disrupt BMPR1A function with a negative predictive value of 95%. Experimental studies are conflicting or provide insufficient evidence to determine the effect of this variant on BMPR1A function (PMID: 29522511). In summary, the available evidence is currently insufficient to determine the role of this variant in disease. Therefore, it has been classified as a Variant of Uncertain Significance.

Quest Diagnostics Nichols Institute San Juan Capistrano
Classification: Uncertain significance. Last evaluated: 2025-06-27. Review status: criteria provided, single submitter. Criteria: Quest Diagnostics criteria. Collection method: clinical testing. Allele origin: unknown.
Comment: The BMPR1A c.1412G>A (p.Arg471His) variant has been reported in an individual with superior coloboma (PMID: 29522511 (2018)). A functional study showed that this variant mildly reduces BMPR1A activity (PMID: 29522511 (2018)). The frequency of this variant in the general population (Genome Aggregation Database) is uninformative in the assessment of its pathogenicity. Analysis of this variant using bioinformatics tools for the prediction of the effect of amino acid changes on protein structure and function yielded conflicting predictions that this variant is benign or damaging. Based on the available information, we are unable to determine the clinical significance of this variant.

All of Us Research Program, National Institutes of Health
Classification: Uncertain significance for Juvenile polyposis syndrome. Last evaluated: 2024-02-05. Review status: criteria provided, single submitter. Criteria: ACMG Guidelines, 2015. Collection method: clinical testing. Allele origin: germline. Inheritance: Autosomal dominant inheritance. Observed: 3 variant alleles, 3 heterozygotes.
Comment: This missense variant replaces arginine with histidine at codon 471 of the BMPR1A protein. Computational prediction is inconclusive regarding the impact of this variant on protein structure and function (internally defined REVEL score threshold 0.5 < inconclusive < 0.7, PMID: 27666373). Splice site prediction tools suggest that this variant may not impact RNA splicing. To our knowledge, functional studies have not been performed for this variant. This variant has not been reported in individuals affected with hereditary cancer in the literature. This variant has been identified in 3/251488 chromosomes in the general population by the Genome Aggregation Database (gnomAD). The available evidence is insufficient to determine the role of this variant in disease conclusively. Therefore, this variant is classified as a Variant of Uncertain Significance.

This study involves interpretation of variants in research participants for the purpose of population health screening. Participant phenotype was not available at the time of variant classification. Additional details can be found in publication PMID: 35346344, PMCID: PMC8962531

Baylor Genetics
Classification: Uncertain significance for Polyposis syndrome, hereditary mixed, 2. Last evaluated: 2023-12-14. Review status: criteria provided, single submitter. Criteria: ACMG Guidelines, 2015. Collection method: clinical testing. Allele origin: unknown.

Color Diagnostics, LLC DBA Color Health
Classification: Uncertain significance for Hereditary cancer-predisposing syndrome. Last evaluated: 2023-07-20. Review status: criteria provided, single submitter. Criteria: ACMG Guidelines, 2015. Collection method: clinical testing. Allele origin: germline.
Comment: This missense variant replaces arginine with histidine at codon 471 of the BMPR1A protein. Computational prediction is inconclusive regarding the impact of this variant on protein structure and function (internally defined REVEL score threshold 0.5 < inconclusive < 0.7, PMID: 27666373). Functional studies performed are not sufficient to determine the impact of this variant on BMPR1A protein function (PMID: 29522511). This variant has not been reported in individuals affected with BMPR1A-related disorders in the literature. This variant has been identified in 3/251488 chromosomes in the general population by the Genome Aggregation Database (gnomAD). The available evidence is insufficient to determine the role of this variant in disease conclusively. Therefore, this variant is classified as a Variant of Uncertain Significance.

Ambry Genetics
Classification: Benign for Hereditary cancer-predisposing syndrome. Last evaluated: 2023-04-07. Review status: criteria provided, single submitter. Criteria: Ambry Variant Classification Scheme 2023. Collection method: clinical testing. Allele origin: germline.

Department of Pathology and Laboratory Medicine, Sinai Health System
Classification: Uncertain significance for Polyposis syndrome, hereditary mixed, 2; Juvenile polyposis syndrome. Last evaluated: 2021-05-12. Review status: criteria provided, single submitter. Criteria: ACMG Guidelines, 2015. Collection method: clinical testing. Allele origin: germline. Affected: yes.

Literature cited by the submitters: PubMed 29522511 (cited by 4 submitters).